The following is an entry in ClinVar:

ClinVar aggregate classification (germline): Pathogenic/Likely pathogenic. Review status: criteria provided, multiple submitters, no conflicts (2 of 4 stars). 6 submissions from 6 submitters: Pathogenic (4); Likely pathogenic (2). Last evaluated 2025-12-22.

Conditions:
Hereditary cancer-predisposing syndrome. Also called: Tumor predisposition; Hereditary neoplastic syndrome; Hereditary Cancer Syndrome; Neoplastic Syndromes, Hereditary. Identifiers: Orphanet 140162, MedGen C0027672, MeSH D009386, MONDO:0015356.
Familial cancer of breast. Also called: BREAST CANCER, FAMILIAL; hereditary breast carcinoma; Hereditary breast cancer. Identifiers: Orphanet 227535, MedGen C0346153, MONDO:0016419, OMIM 114480. Disease mechanism: loss of function.

Submissions (6):

Ambry Genetics
Classification: Pathogenic for Hereditary cancer-predisposing syndrome. Last evaluated: 2025-12-22. Review status: criteria provided, single submitter. Criteria: Ambry Variant Classification Scheme 2023. Collection method: clinical testing. Allele origin: germline.
Comment: The p.W1164* pathogenic mutation (also known as c.3491G>A), located in coding exon 13 of the PALB2 gene, results from a G to A substitution at nucleotide position 3491. This changes the amino acid from a tryptophan to a stop codon within coding exon 13. This alteration occurs at the 3' terminus of thePALB2 gene, is not expected to trigger nonsense-mediated mRNA decay, and only impacts the last 1.9% of the protein. However, premature stop codons are typically deleterious in nature and the impacted region is critical for protein function (Ambry internal data). This variant is considered to be rare based on population cohorts in the Genome Aggregation Database (gnomAD). Based on the supporting evidence, this alteration is interpreted as a disease-causing mutation.

Baylor Genetics
Classification: Likely pathogenic for Familial cancer of breast. Last evaluated: 2024-03-20. Review status: criteria provided, single submitter. Criteria: ACMG Guidelines, 2015. Collection method: clinical testing. Allele origin: unknown.

Myriad Genetics, Inc.
Classification: Pathogenic for Familial cancer of breast. Last evaluated: 2023-09-15. Review status: criteria provided, single submitter. Criteria: Myriad Autosomal Dominant, Autosomal Recessive and X-Linked Classification Criteria (2023). Collection method: clinical testing. Allele origin: unknown.
Comment: This variant is considered pathogenic. This variant creates a termination codon and is predicted to result in premature protein truncation.

Labcorp Genetics (formerly Invitae), Labcorp
Classification: Pathogenic for Familial cancer of breast. Last evaluated: 2022-12-21. Review status: criteria provided, single submitter. Criteria: Invitae Variant Classification Sherloc (09022015). Collection method: clinical testing. Allele origin: germline.
Comment: This variant is not present in population databases (gnomAD no frequency). For these reasons, this variant has been classified as Pathogenic. This variant disrupts a region of the PALB2 protein in which other variant(s) (p.Tyr1183*) have been determined to be pathogenic (PMID: 17200671). This suggests that this is a clinically significant region of the protein, and that variants that disrupt it are likely to be disease-causing. ClinVar contains an entry for this variant (Variation ID: 246129). This variant has not been reported in the literature in individuals affected with PALB2-related conditions. This sequence change creates a premature translational stop signal (p.Trp1164*) in the PALB2 gene. While this is not anticipated to result in nonsense mediated decay, it is expected to disrupt the last 23 amino acid(s) of the PALB2 protein.

Color Diagnostics, LLC DBA Color Health
Classification: Pathogenic for Hereditary cancer-predisposing syndrome. Last evaluated: 2020-01-15. Review status: criteria provided, single submitter. Criteria: ACMG Guidelines, 2015. Collection method: clinical testing. Allele origin: germline.
Comment: This variant changes 1 nucleotide in exon 13 of the PALB2 gene, creating a premature translation stop signal. This variant is expected to result in an absent or non-functional protein product. This variant has not been identified in the general population by the Genome Aggregation Database (gnomAD). Loss of PALB2 function is a known mechanism of disease. Based on the available evidence, this variant is classified as Pathogenic.

GeneDx
Classification: Likely pathogenic. Last evaluated: 2015-11-17. Review status: criteria provided, single submitter. Criteria: GeneDx Variant Classification (06012015). Collection method: clinical testing. Allele origin: germline. Affected: yes.
Comment: This variant is denoted PALB2 c.3491G>A at the cDNA level and p.Trp1164Ter (W1164X) at the protein level. The substitution creates a nonsense variant, which changes a Tryptophan to a premature stop codon (TGG>TAG), and is predicted to cause loss of normal protein function through protein truncation. Even though this frameshift occurs near the end of the gene in the last exon, and nonsense-mediated decay is not expected to occur, it is significant since the last 23 amino acids are no longer translated. Furthermore, the truncation would disrupt the WD repeat that is required for POLH DNA synthesis stimulation, and interacts with POLH, RAD51 and BRCA2 (UniProt). Although this variant has not, to our knowledge, been reported in the literature, it is considered likely pathogenic.

Literature cited by the submitters: PubMed 17200671 (cited by Labcorp Genetics (formerly Invitae), Labcorp).

NM_024675.4(PALB2):c.3491G>A (p.Trp1164Ter)

Gene: PALB2 (partner and localizer of BRCA2; minus strand). Cytogenetic location: 16p12.2.
Variant type: single nucleotide variant.
Coding change: c.3491G>A on transcript NM_024675.4 (MANE Select); coding-DNA position 3491, G replaced by A.
Protein change: p.Trp1164Ter; replaces tryptophan 1164 with a stop codon.
Molecular consequence: nonsense.
Genome position (GRCh38, 1-based): chr16:23,603,529, C>T on the plus strand (G>A on the coding strand, the complement: PALB2 is on the minus strand). VCF-style: chr16-23603529-C-T. GRCh37 (hg19) VCF-style: chr16-23614850-C-T.
Other names: short protein forms W1164*.
Identifiers: ClinVar variation 246129 (VCV000246129.23), dbSNP rs879254113, ClinGen allele CA10584500.